The following is an entry in ClinVar:

NM_001384474.1(LOXHD1):c.2314A>T (p.Ile772Phe)

Gene: LOXHD1 (lipoxygenase homology PLAT domains 1; minus strand). Cytogenetic location: 18q21.1.
Variant type: single nucleotide variant.
Coding change: c.2314A>T on transcript NM_001384474.1 (MANE Select); coding-DNA position 2314, A replaced by T.
Protein change: p.Ile772Phe; replaces isoleucine 772 with phenylalanine.
Molecular consequence: missense variant.
Genome position (GRCh38, 1-based): chr18:46,566,380, T>A on the plus strand (A>T on the coding strand, the complement: LOXHD1 is on the minus strand). VCF-style: chr18-46566380-T-A. GRCh37 (hg19) VCF-style: chr18-44146343-T-A.
Other names: c.2314A>T, p.Ile772Phe (NM_144612.7); short protein forms I772F.
Identifiers: ClinVar variation 1064984 (VCV001064984.3), dbSNP rs1289895910, ClinGen allele CA402374206.

ClinVar aggregate classification (germline): Likely pathogenic (1 of 4 stars; one submission).

Conditions:
Hearing impairment. Also called: Impaired Hearing. Identifiers: MedGen C1384666, MONDO:0005365, HP:0000365.

Allele frequency attached by ClinVar (database versions not stated): gnomAD exomes 0.00001; TOPMed 0.00002; gnomAD 0.00003 and 0.00004.
gnomAD v4.1: 15 of 1,551,544 alleles (0.00097%); highest among the groups gnomAD compares: Non-Finnish European, 0.0012%; no homozygotes.

Submission:

Department of Otolaryngology – Head & Neck Surgery, Cochlear Implant Center
Classification: Likely pathogenic for Hearing impairment. Last evaluated: 2021-04-12. Review status: criteria provided, single submitter. Criteria: ClinGen HL ACMG Specifications v1. Collection method: clinical testing. Allele origin: germline. Affected: yes.
Comment: PM2_Moderate, PM3_Moderate, PP1_Moderate, PP3_Supporting